The following is an entry in ClinVar:

NM_000228.3(LAMB3):c.1687dup (p.Arg563fs)

Gene: LAMB3 (laminin subunit beta 3; minus strand). Cytogenetic location: 1q32.2.
Variant type: Duplication.
Coding change: c.1687dup on transcript NM_000228.3 (MANE Select); coding-DNA position 1687, one base duplicated (C; older notation c.1687dupC).
Protein change: p.Arg563fs; shifts the reading frame from arginine 563.
Molecular consequence: frameshift variant.
Genome position (GRCh38, 1-based): chr1:209,625,937, G duplicated on the plus strand (C on the coding strand, the reverse complement: LAMB3 is on the minus strand); the first of 4 consecutive G bases (chr1:209,625,937-209,625,940); duplicating any one gives the same sequence. VCF-style (leftmost placement, unchanged base first): chr1-209625936-C-CG. GRCh37 (hg19) VCF-style: chr1-209799281-C-CG.
Other names: c.1687dup, p.Arg563fs (NM_001017402.2, NM_001127641.1); short protein forms R563fs.
Identifiers: ClinVar variation 5012037 (VCV005012037.1).

ClinVar aggregate classification (germline): Pathogenic (1 of 4 stars; one submission).

Conditions:
Junctional epidermolysis bullosa. Identifiers: Orphanet 305, MedGen C0079301, MONDO:0017612.

Submission:

Myriad Genetics, Inc.
Classification: Pathogenic for Junctional epidermolysis bullosa. Last evaluated: 2023-09-27. Review status: criteria provided, single submitter. Criteria: Myriad Autosomal Dominant, Autosomal Recessive and X-Linked Classification Criteria (2023). Collection method: clinical testing. Allele origin: unknown.
Comment: NM_000228.2(LAMB3):c.1687dupC(R563Pfs*3) is expected to be pathogenic in the context of junctional epidermolysis bullosa, LAMB3-related. This variant is predicted to lead to an abnormal or absent protein product due to the creation of a premature termination codon in LAMB3, a gene where loss-of-function variants are known to be pathogenic. Please note: this variant was assessed in the context of healthy population screening.